The following is an entry in ClinVar:

ClinVar aggregate classification (germline): Uncertain significance. Review status: criteria provided, multiple submitters, no conflicts (2 of 4 stars). 4 submissions from 4 submitters: Uncertain significance (3). 1 of the submissions does not count toward it. Last evaluated 2024-11-01.

Conditions:
INPP5E-related disorder. Also called: INPP5E-related condition.
Inborn genetic diseases. Identifiers: MedGen C0950123, MeSH D030342.
Joubert syndrome. Also called: JOUBERT-BOLTSHAUSER SYNDROME; Familial aplasia of the vermis. Identifiers: Orphanet 475, MedGen C5979921, MONDO:0018772.

Allele frequency attached by ClinVar (database versions not stated): ExAC below 0.00001; gnomAD 0.00001; gnomAD exomes 0.00001 and 0.00008; TOPMed 0.00003.
gnomAD v4.1: 111 of 1,549,064 alleles (0.0072%); highest among the groups gnomAD compares: Middle Eastern, 0.033%; no homozygotes.

Submissions (4):

Blueprint Genetics
Classification: Uncertain significance. Last evaluated: 2024-11-01. Review status: criteria provided, single submitter. Criteria: ACMG Guidelines, 2015. Collection method: clinical testing. Allele origin: germline.

Ambry Genetics
Classification: Uncertain significance for Inborn genetic diseases. Last evaluated: 2023-10-20. Review status: criteria provided, single submitter. Criteria: Ambry Variant Classification Scheme 2023. Collection method: clinical testing. Allele origin: germline.

Labcorp Genetics (formerly Invitae), Labcorp
Classification: Uncertain significance for Joubert syndrome. Last evaluated: 2022-10-29. Review status: criteria provided, single submitter. Criteria: Invitae Variant Classification Sherloc (09022015). Collection method: clinical testing. Allele origin: germline.
Comment: This sequence change replaces arginine, which is basic and polar, with histidine, which is basic and polar, at codon 459 of the INPP5E protein (p.Arg459His). The frequency data for this variant in the population databases is considered unreliable, as metrics indicate poor data quality at this position in the gnomAD database. This variant has not been reported in the literature in individuals affected with INPP5E-related conditions. ClinVar contains an entry for this variant (Variation ID: 843785). Algorithms developed to predict the effect of missense changes on protein structure and function output the following: SIFT: "Deleterious"; PolyPhen-2: "Benign"; Align-GVGD: "Class C0". The histidine amino acid residue is found in multiple mammalian species, which suggests that this missense change does not adversely affect protein function. In summary, the available evidence is currently insufficient to determine the role of this variant in disease. Therefore, it has been classified as a Variant of Uncertain Significance.

PreventionGenetics, part of Exact Sciences
Classification: Uncertain significance for INPP5E-related condition. Last evaluated: 2024-02-14. Review status: no assertion criteria provided. Collection method: clinical testing. Allele origin: germline. Not counted in ClinVar's aggregate classification.
Comment: The INPP5E c.1376G>A variant is predicted to result in the amino acid substitution p.Arg459His. To our knowledge, this variant has not been reported in the literature. This variant is reported in 0.0033% of alleles in individuals of European (Non-Finnish) descent in gnomAD. At this time, the clinical significance of this variant is uncertain due to the absence of conclusive functional and genetic evidence.

NM_019892.6(INPP5E):c.1376G>A (p.Arg459His)

Gene: INPP5E (inositol polyphosphate-5-phosphatase E; minus strand). Cytogenetic location: 9q34.3.
Variant type: single nucleotide variant.
Coding change: c.1376G>A on transcript NM_019892.6 (MANE Select); coding-DNA position 1376, G replaced by A.
Protein change: p.Arg459His; replaces arginine 459 with histidine.
Molecular consequence: missense variant.
Genome position (GRCh38, 1-based): chr9:136,432,490, C>T on the plus strand (G>A on the coding strand, the complement: INPP5E is on the minus strand). VCF-style: chr9-136432490-C-T. GRCh37 (hg19) VCF-style: chr9-139326942-C-T.
Other names: c.1373G>A, p.Arg458His (NM_001318502.2); c.1376G>A (NM_019892.5); short protein forms R459H, R458H.
Identifiers: ClinVar variation 843785 (VCV000843785.11), dbSNP rs770146958, ClinGen allele CA5336834.